The following is an entry in ClinVar:

NM_002976.4(SCN7A):c.1995A>G (p.Gln665=)

Gene: SCN7A (sodium voltage-gated channel alpha subunit 7; minus strand). Cytogenetic location: 2q24.3.
Variant type: single nucleotide variant.
Coding change: c.1995A>G on transcript NM_002976.4 (MANE Select); coding-DNA position 1995, A replaced by G.
Protein change: p.Gln665=; no amino-acid change (glutamine 665 retained).
Molecular consequence: synonymous variant. On other transcripts: non-coding transcript variant (1).
Genome position (GRCh38, 1-based): chr2:166,441,558, T>C on the plus strand (A>G on the coding strand, the complement: SCN7A is on the minus strand). VCF-style: chr2-166441558-T-C. GRCh37 (hg19) VCF-style: chr2-167298068-T-C.
Identifiers: ClinVar variation 728530 (VCV000728530.5), dbSNP rs371300873, ClinGen allele CA1945550.

ClinVar aggregate classification (germline): Likely benign. Review status: criteria provided, single submitter (1 of 4 stars). 2 submissions from 2 submitters: Likely benign (1). 1 of the submissions does not count toward it. Last evaluated 2018-05-31.

Conditions:
SCN7A-related disorder. Also called: SCN7A-related condition.

Allele frequency attached by ClinVar (database versions not stated): ExAC 0.00021; gnomAD 0.00027 and 0.00028; TOPMed 0.00029; ESP Exome Variant Server 0.00031.
gnomAD v4.1: 462 of 1,613,672 alleles (0.029%); highest among the groups gnomAD compares: Non-Finnish European, 0.036%; no homozygotes.

Submissions (2):

Labcorp Genetics (formerly Invitae), Labcorp
Classification: Likely benign. Last evaluated: 2018-05-31. Review status: criteria provided, single submitter. Criteria: Invitae Variant Classification Sherloc (09022015). Collection method: clinical testing. Allele origin: germline.

PreventionGenetics, part of Exact Sciences
Classification: Likely benign for SCN7A-related condition. Last evaluated: 2022-04-22. Review status: no assertion criteria provided. Collection method: clinical testing. Allele origin: germline. Not counted in ClinVar's aggregate classification.
Comment: This variant is classified as likely benign based on ACMG/AMP sequence variant interpretation guidelines (Richards et al. 2015 PMID: 25741868, with internal and published modifications).